The following is an entry in ClinVar:

NM_001370.2(DNAH6):c.6137G>A (p.Arg2046Gln)

Gene: DNAH6 (dynein axonemal heavy chain 6; plus strand). Cytogenetic location: 2p11.2.
Variant type: single nucleotide variant.
Coding change: c.6137G>A on transcript NM_001370.2 (MANE Select); coding-DNA position 6137, G replaced by A.
Protein change: p.Arg2046Gln; replaces arginine 2046 with glutamine.
Molecular consequence: missense variant.
Genome position (GRCh38, 1-based): chr2:84,669,341, G>A. VCF-style: chr2-84669341-G-A. GRCh37 (hg19) VCF-style: chr2-84896465-G-A.
Other names: short protein forms R2046Q.
Identifiers: ClinVar variation 4981783 (VCV004981783.1).

ClinVar aggregate classification (germline): Uncertain significance (1 of 4 stars; one submission).

Conditions:
DNAH6-related disorder. Also called: DNAH6-related condition.

gnomAD v4.1: 715 of 1,549,108 alleles (0.046%); highest among the groups gnomAD compares: Non-Finnish European, 0.057%; 4 homozygotes.

Submission:

PreventionGenetics, part of Exact Sciences
Classification: Uncertain significance for DNAH6-related condition. Last evaluated: 2025-03-19. Review status: criteria provided, single submitter. Criteria: ACMG Guidelines, 2015. Collection method: clinical testing. Allele origin: germline.
Comment: The DNAH6 c.6137G>A variant is predicted to result in the amino acid substitution p.Arg2046Gln. To our knowledge, this variant has not been reported in the literature. This variant is reported in 0.055% of alleles in individuals of Latino descent in gnomAD. Although we suspect that this variant may be benign, at this time, the clinical significance of this variant is uncertain due to the absence of conclusive functional and genetic evidence.